The following is an entry in ClinVar:

ClinVar aggregate classification (germline): Benign. Review status: criteria provided, multiple submitters, no conflicts (2 of 4 stars). 7 submissions from 7 submitters: Benign (7). Last evaluated 2026-02-03.

Conditions:
Inborn genetic diseases. Identifiers: MedGen C0950123, MeSH D030342.
Developmental and epileptic encephalopathy, 31A. Also called: Developmental and epileptic encephalopathy, 31; Epileptic encephalopathy, early infantile, 31. Identifiers: Orphanet 2382, MedGen C4225357, MONDO:0014598, OMIM 616346.

Allele frequency attached by ClinVar (database versions not stated): gnomAD 0.08186 and 0.08122; ESP Exome Variant Server 0.08642; ExAC 0.06805; gnomAD exomes 0.06901 and 0.07867; 1000 Genomes Project 0.06949; 1000 Genomes Project 30x 0.06980; TOPMed 0.08150.
gnomAD v4.1: 127,453 of 1,614,074 alleles (7.9%); highest among the groups gnomAD compares: African/African-American, 11%; 5,349 homozygotes.

Submissions (7):

Labcorp Genetics (formerly Invitae), Labcorp
Classification: Benign for Developmental and epileptic encephalopathy, 31A. Last evaluated: 2026-02-03. Review status: criteria provided, single submitter. Criteria: Invitae Variant Classification Sherloc (09022015). Collection method: clinical testing. Allele origin: germline.

Blueprint Genetics
Classification: Benign. Last evaluated: 2024-11-27. Review status: criteria provided, single submitter. Criteria: ACMG Guidelines, 2015. Collection method: clinical testing. Allele origin: germline.

Mayo Clinic Laboratories, Mayo Clinic
Classification: Benign. Last evaluated: 2018-04-02. Review status: criteria provided, single submitter. Criteria: ACMG Guidelines, 2015. Collection method: clinical testing. Allele origin: germline. Observed: 62 variant alleles.

Athena Diagnostics
Classification: Benign. Last evaluated: 2017-04-20. Review status: criteria provided, single submitter. Criteria: Athena Diagnostics Criteria. Collection method: clinical testing. Allele origin: germline.

Ambry Genetics
Classification: Benign for Inborn genetic diseases. Last evaluated: 2016-03-16. Review status: criteria provided, single submitter. Criteria: Ambry Variant Classification Scheme 2023. Collection method: clinical testing. Allele origin: germline.

GeneDx
Classification: Benign. Last evaluated: 2016-01-05. Review status: criteria provided, single submitter. Criteria: GeneDx Variant Classification (06012015). Collection method: clinical testing. Allele origin: germline. Affected: yes.
Comment: This variant is considered likely benign or benign based on one or more of the following criteria: it is a conservative change, it occurs at a poorly conserved position in the protein, it is predicted to be benign by multiple in silico algorithms, and/or has population frequency not consistent with disease.

Breakthrough Genomics
Classification: Benign. Review status: criteria provided, single submitter. Criteria: ACMG Guidelines, 2015. Collection method: not provided. Allele origin: germline. Inheritance: Autosomal dominant inheritance. Affected: yes.

NM_004408.4(DNM1):c.1062C>T (p.Tyr354=)

Gene: DNM1 (dynamin 1; plus strand). Cytogenetic location: 9q34.11.
Variant type: single nucleotide variant.
Coding change: c.1062C>T on transcript NM_004408.4 (MANE Select); coding-DNA position 1062, C replaced by T.
Protein change: p.Tyr354=; no amino-acid change (tyrosine 354 retained).
Molecular consequence: synonymous variant.
Genome position (GRCh38, 1-based): chr9:128,222,530, C>T. VCF-style: chr9-128222530-C-T. GRCh37 (hg19) VCF-style: chr9-130984809-C-T.
Other names: p.Tyr354=; c.1062C>T, p.Tyr354= (NM_001005336.3, NM_001288737.2, NM_001288738.2 and 1 more transcripts).
Identifiers: ClinVar variation 380913 (VCV000380913.18), dbSNP rs35048348, ClinGen allele CA5257969.